The following is an entry in ClinVar:

ClinVar aggregate classification (germline): Likely benign (1 of 4 stars; one submission).

Allele frequency attached by ClinVar (database versions not stated): gnomAD 0.00004; gnomAD exomes 0.00004; TOPMed 0.00006; ExAC 0.00011.

Submission:

CeGaT Center for Human Genetics Tuebingen
Classification: Likely benign. Last evaluated: 2022-10-01. Review status: criteria provided, single submitter. Criteria: CeGaT Center For Human Genetics Tuebingen Variant Classification Criteria Version 2. Collection method: clinical testing. Allele origin: germline. Affected: yes. Observed: 1 variant allele.
Comment: PNMA5: BP4, BS2

NM_001184924.2(PNMA5):c.52A>G (p.Arg18Gly)

Gene: PNMA5 (PNMA family member 5; minus strand). Cytogenetic location: Xq28.
Variant type: single nucleotide variant.
Coding change: c.52A>G on transcript NM_001184924.2 (MANE Select); coding-DNA position 52, A replaced by G.
Protein change: p.Arg18Gly; replaces arginine 18 with glycine.
Molecular consequence: missense variant.
Genome position (GRCh38, 1-based): chrX:152,991,547, T>C on the plus strand (A>G on the coding strand, the complement: PNMA5 is on the minus strand). VCF-style: chrX-152991547-T-C. GRCh37 (hg19) VCF-style: chrX-152160091-T-C.
Other names: c.52A>G, p.Arg18Gly (NM_001103150.1, NM_001103151.1, NM_052926.3); short protein forms R18G.
Identifiers: ClinVar variation 2661676 (VCV002661676.24), dbSNP rs781906071, ClinGen allele CA10545740.